The following is an entry in ClinVar:

NM_004469.5(VEGFD):c.480C>T (p.Tyr160=)

Genes: PIR-FIGF (PIR-FIGF readthrough; minus strand), VEGFD (vascular endothelial growth factor D; minus strand). Cytogenetic location: Xp22.2.
Variant type: single nucleotide variant.
Coding change: c.480C>T on transcript NM_004469.5 (MANE Select); coding-DNA position 480, C replaced by T.
Protein change: p.Tyr160=; no amino-acid change (tyrosine 160 retained).
Molecular consequence: synonymous variant. On other transcripts: non-coding transcript variant (1).
Genome position (GRCh38, 1-based): chrX:15,358,015, G>A on the plus strand (C>T on the coding strand, the complement: VEGFD is on the minus strand). VCF-style: chrX-15358015-G-A. GRCh37 (hg19) VCF-style: chrX-15376137-G-A.
Identifiers: ClinVar variation 740215 (VCV000740215.27), dbSNP rs745810706, ClinGen allele CA10354362.

ClinVar aggregate classification (germline): Likely benign. Review status: criteria provided, multiple submitters, no conflicts (2 of 4 stars). 2 submissions from 2 submitters: Likely benign (2). Last evaluated 2022-08-01.

Allele frequency attached by ClinVar (database versions not stated): TOPMed below 0.00001; gnomAD 0.00002; ExAC 0.00009; gnomAD exomes 0.00009 and 0.00016; 1000 Genomes Project 0.00026; 1000 Genomes Project 30x 0.00042.
gnomAD v4.1: 97 of 1,209,049 alleles (0.008%); highest among the groups gnomAD compares: South Asian, 0.17%; no homozygotes.

Submissions (2):

CeGaT Center for Human Genetics Tuebingen
Classification: Likely benign. Last evaluated: 2022-08-01. Review status: criteria provided, single submitter. Criteria: CeGaT Center For Human Genetics Tuebingen Variant Classification Criteria Version 2. Collection method: clinical testing. Allele origin: germline. Affected: yes. Observed: 1 variant allele.
Comment: VEGFD: BP4, BP7

Labcorp Genetics (formerly Invitae), Labcorp
Classification: Likely benign. Last evaluated: 2018-04-07. Review status: criteria provided, single submitter. Criteria: Invitae Variant Classification Sherloc (09022015). Collection method: clinical testing. Allele origin: germline.